The following is an entry in ClinVar:

NM_000051.4(ATM):c.2922-1G>A

Gene: ATM (ATM serine/threonine kinase; plus strand). Cytogenetic location: 11q22.3.
Variant type: single nucleotide variant.
Coding change: c.2922-1G>A on transcript NM_000051.4 (MANE Select); the canonical splice acceptor site of the intron before coding-DNA position 2922, G replaced by A.
Molecular consequence: splice acceptor variant.
Genome position (GRCh38, 1-based): chr11:108,271,250, G>A. VCF-style: chr11-108271250-G-A. GRCh37 (hg19) VCF-style: chr11-108141977-G-A.
Other names: c.2922-1G>A (NM_001351834.2).
Identifiers: ClinVar variation 977929 (VCV000977929.8), dbSNP rs1555084931, ClinGen allele CA382547060.

ClinVar aggregate classification (germline): Pathogenic/Likely pathogenic. Review status: criteria provided, multiple submitters, no conflicts (2 of 4 stars). 4 submissions from 4 submitters: Pathogenic (3); Likely pathogenic (1). Last evaluated 2026-04-27.

Conditions:
Hereditary cancer-predisposing syndrome. Also called: Tumor predisposition; Hereditary Cancer Syndrome; Hereditary neoplastic syndrome; Neoplastic Syndromes, Hereditary. Identifiers: Orphanet 140162, MedGen C0027672, MeSH D009386, MONDO:0015356.
Ataxia-telangiectasia syndrome (AT). Also called: ATAXIA-TELANGIECTASIA, COMPLEMENTATION GROUP A; ATAXIA-TELANGIECTASIA, FRESNO VARIANT; Ataxia-telangiectasia; Ataxia-telangiectasia, complementation group E; Ataxia telangiectasia (A-T); LOUIS-BAR SYNDROME. Identifiers: Orphanet 100, MedGen C0004135, MONDO:0008840, OMIM 208900.
Familial cancer of breast. Also called: hereditary breast carcinoma; Hereditary breast cancer; BREAST CANCER, FAMILIAL. Identifiers: Orphanet 227535, MedGen C0346153, MONDO:0016419, OMIM 114480. Disease mechanism: loss of function.

Submissions (4):

Myriad Genetics, Inc.
Classification: Pathogenic for Familial cancer of breast. Last evaluated: 2026-04-27. Review status: criteria provided, single submitter. Criteria: Myriad Autosomal Dominant, Autosomal Recessive and X-Linked Classification Criteria (2023). Collection method: clinical testing. Allele origin: unknown.
Comment: This variant is considered pathogenic. This variant occurs within a consensus splice junction and is predicted to result in abnormal mRNA splicing of either an out-of-frame exon or an in-frame exon necessary for protein stability and/or normal function. mRNA analysis has demonstrated abnormal mRNA splicing occurs [PMID: 41596415, 40225916]. Functional studies indicate this variant impacts protein function [PMID: 16864838, 14695534]. This variant has been reported in multiple individuals with clinical features of gene-specific disease [PMID: 16864838, 14695534].

Ambry Genetics
Classification: Likely pathogenic for Hereditary cancer-predisposing syndrome. Last evaluated: 2025-04-25. Review status: criteria provided, single submitter. Criteria: Ambry Variant Classification Scheme 2023. Collection method: clinical testing. Allele origin: germline.
Comment: The c.2922-1G>A intronic variant results from a G to A substitution one nucleotide upstream from coding exon 19 of the ATM gene. Alterations that disrupt the canonical splice site are expected to result in aberrant splicing. In silico splice site analysis predicts that this alteration will weaken the native splice acceptor site and will result in the creation or strengthening of a novel splice acceptor site. A resulting transcript is predicted to be in-frame and is not expected to trigger nonsense-mediated mRNAdecay; although, direct evidence is unavailable. However, the region predicted to be impacted is critical for protein function (Ambry internal data). This variant has been identified in the homozygous state and/or in conjunction with other ATM variants in individuals with features consistent with Ataxia telangiectasia (Quirk SM et al. Endocrinology, 1986 Jun;118:2402-10; Verhagen MM et al. Hum Mutat, 2012 Mar;33:561-71). This variant is considered to be rare based on population cohorts in the Genome Aggregation Database (gnomAD). This nucleotide position is highly conserved in available vertebrate species. Based on the majority of available evidence to date, this variant is likely to be pathogenic.

Labcorp Genetics (formerly Invitae), Labcorp
Classification: Pathogenic for Ataxia-telangiectasia syndrome. Last evaluated: 2024-10-24. Review status: criteria provided, single submitter. Criteria: Invitae Variant Classification Sherloc (09022015). Collection method: clinical testing. Allele origin: germline.
Comment: This sequence change affects an acceptor splice site in intron 19 of the ATM gene. It is expected to disrupt RNA splicing. Variants that disrupt the donor or acceptor splice site typically lead to a loss of protein function (PMID: 16199547), and loss-of-function variants in ATM are known to be pathogenic (PMID: 23807571, 25614872). This variant is not present in population databases (gnomAD no frequency). Disruption of this splice site has been observed in individual(s) with ataxia-telangiectasia (PMID: 22213089, 32488064). ClinVar contains an entry for this variant (Variation ID: 977929). RNA analysis provides insufficient evidence to determine the effect of this variant on ATM splicing (internal data). For these reasons, this variant has been classified as Pathogenic.

Consultorio y Laboratorio de Neurogenética, Hospital JM Ramos Mejia
Classification: Pathogenic for Ataxia-telangiectasia syndrome. Review status: criteria provided, single submitter. Criteria: Perez et al. (J Hum Genet. 2020). Collection method: clinical testing. Allele origin: unknown. Inheritance: Autosomal recessive inheritance. Affected: yes. Observed: 1 compound heterozygote.

Literature cited by the submitters: PubMed 41596415 (cited by Myriad Genetics, Inc.); PubMed 40225916 (cited by Myriad Genetics, Inc.); PubMed 16864838 (cited by Myriad Genetics, Inc.); PubMed 14695534 (cited by Myriad Genetics, Inc.); PubMed 22213089 (cited by Ambry Genetics and Labcorp Genetics (formerly Invitae), Labcorp); PubMed 16199547 (cited by Labcorp Genetics (formerly Invitae), Labcorp); PubMed 23807571 (cited by Labcorp Genetics (formerly Invitae), Labcorp); PubMed 25614872 (cited by Labcorp Genetics (formerly Invitae), Labcorp); PubMed 32488064 (cited by Labcorp Genetics (formerly Invitae), Labcorp).